The following is an entry in ClinVar:

NM_000218.3(KCNQ1):c.726C>A (p.Asp242Glu)

Gene: KCNQ1 (potassium voltage-gated channel subfamily Q member 1; plus strand). Cytogenetic location: 11p15.5.
Variant type: single nucleotide variant.
Coding change: c.726C>A on transcript NM_000218.3 (MANE Select); coding-DNA position 726, C replaced by A.
Protein change: p.Asp242Glu; replaces aspartic acid 242 with glutamic acid.
Molecular consequence: missense variant.
Genome position (GRCh38, 1-based): chr11:2,572,055, C>A. VCF-style: chr11-2572055-C-A. GRCh37 (hg19) VCF-style: chr11-2593285-C-A.
Other names: c.726C>A, p.Asp242Glu (NM_001406836.1); c.456C>A, p.Asp152Glu (NM_001406837.1); c.345C>A, p.Asp115Glu (NM_181798.2); short protein forms D242E, D115E, D152E.
Identifiers: ClinVar variation 665471 (VCV000665471.13), dbSNP rs1589957756, ClinGen allele CA379130972.
Genomic context (GRCh38, chr11:2,572,055, plus strand): 5'-ACACCATCTCCTTCGCAGGGGCATCCGCTTCCTGCAGATCCTGAGGATGCTACACGTCGA[C>A]CGCCAGGGAGGCACCTGGAGGCTCCTGGGCTCCGTGGTCTTCATCCACCGCCAGGTGGGT-3'
Protein context (NP_000209.2, residues 232-252): FLQILRMLHV[Asp242Glu]RQGGTWRLLG

ClinVar aggregate classification (germline): Likely pathogenic. Review status: criteria provided, multiple submitters, no conflicts (2 of 4 stars). 3 submissions from 3 submitters: Likely pathogenic (3). Last evaluated 2023-04-14.

Conditions:
Cardiovascular phenotype. Identifiers: MedGen CN230736.
Long QT syndrome (LQTS). Identifiers: MedGen C0023976, MeSH D008133, MONDO:0002442. Disease mechanism: loss of function. Inheritance: Various modes of inheritance.

Submissions (3):

Ambry Genetics
Classification: Likely pathogenic for Cardiovascular phenotype. Last evaluated: 2023-04-14. Review status: criteria provided, single submitter. Criteria: Ambry Variant Classification Scheme 2023. Collection method: clinical testing. Allele origin: germline.
Comment: The p.D242E variant (also known as c.726C>A), located in coding exon 5 of the KCNQ1 gene, results from a C to A substitution at nucleotide position 726. The aspartic acid at codon 242 is replaced by glutamic acid, an amino acid with highly similar properties. This variant has been detected in an individual from a long QT syndrome (LQTS) genetic testing cohort, and in individuals reported to have features consistent with LQTS (Marschall C et al. Cardiovasc Diagn Ther, 2019 Oct;9:S292-S298; personal communication). Another alteration at the same codon, p.D242N (c.724G>A), has also been reported in association with LQTS (Mousavi Nik A et al. Front Cell Neurosci, 2015 Feb;9:32; Izumi G et al. Pediatr Cardiol, 2016 Jun;37:962-70). This variant is considered to be rare based on population cohorts in the Genome Aggregation Database (gnomAD). This amino acid position is highly conserved in available vertebrate species. In addition, this alteration is predicted to be deleterious by in silico analysis. Based on the majority of available evidence to date, this variant is likely to be pathogenic.

Labcorp Genetics (formerly Invitae), Labcorp
Classification: Likely pathogenic for Long QT syndrome. Last evaluated: 2022-11-29. Review status: criteria provided, single submitter. Criteria: Invitae Variant Classification Sherloc (09022015). Collection method: clinical testing. Allele origin: germline.
Comment: This missense change has been observed in individual(s) with KCNQ1-related conditions (PMID: 31737537). This variant is not present in population databases (gnomAD no frequency). In summary, the currently available evidence indicates that the variant is pathogenic, but additional data are needed to prove that conclusively. Therefore, this variant has been classified as Likely Pathogenic. This variant disrupts the p.Asp242 amino acid residue in KCNQ1. Other variant(s) that disrupt this residue have been determined to be pathogenic (PMID: 9799083, 19490272, 25705178; Invitae). This suggests that this residue is clinically significant, and that variants that disrupt this residue are likely to be disease-causing. Advanced modeling of protein sequence and biophysical properties (such as structural, functional, and spatial information, amino acid conservation, physicochemical variation, residue mobility, and thermodynamic stability) performed at Invitae indicates that this missense variant is expected to disrupt KCNQ1 protein function. ClinVar contains an entry for this variant (Variation ID: 665471). This sequence change replaces aspartic acid, which is acidic and polar, with glutamic acid, which is acidic and polar, at codon 242 of the KCNQ1 protein (p.Asp242Glu).

GeneDx
Classification: Likely pathogenic. Last evaluated: 2021-09-28. Review status: criteria provided, single submitter. Criteria: GeneDx Variant Classification Process June 2021. Collection method: clinical testing. Allele origin: germline. Affected: yes.
Comment: Identified via multi-gene panel testing in an individual with long QT syndrome (Marschall et al., 2019); In silico analysis supports that this missense variant has a deleterious effect on protein structure/function; Not observed at significant frequency in large population cohorts (Lek et al., 2016); This variant is associated with the following publications: (PMID: 31737537)

Literature cited by the submitters: PubMed 31737537 (cited by Ambry Genetics and Labcorp Genetics (formerly Invitae), Labcorp); PubMed 9799083 (cited by Labcorp Genetics (formerly Invitae), Labcorp); PubMed 19490272 (cited by Labcorp Genetics (formerly Invitae), Labcorp); PubMed 25705178 (cited by Labcorp Genetics (formerly Invitae), Labcorp).